The following is an entry in ClinVar:

NM_001365276.2(TNXB):c.6503A>C (p.Glu2168Ala)

Gene: TNXB (tenascin XB; minus strand). Cytogenetic location: 6p21.33.
Variant type: single nucleotide variant.
Coding change: c.6503A>C on transcript NM_001365276.2 (MANE Select); coding-DNA position 6503, A replaced by C.
Protein change: p.Glu2168Ala; replaces glutamic acid 2168 with alanine.
Molecular consequence: missense variant.
Genome position (GRCh38, 1-based): chr6:32,067,702, T>G on the plus strand (A>C on the coding strand, the complement: TNXB is on the minus strand). VCF-style: chr6-32067702-T-G. GRCh37 (hg19) VCF-style: chr6-32035479-T-G.
Other names: c.6503A>C, p.Glu2168Ala (NM_019105.8); short protein forms E2168A.
Identifiers: ClinVar variation 1753926 (VCV001753926.3), dbSNP rs2483560856, ClinGen allele CA363398506.

ClinVar aggregate classification (germline): Uncertain significance (1 of 4 stars; one submission).

Conditions:
Cardiovascular phenotype. Identifiers: MedGen CN230736.

Submission:

Ambry Genetics
Classification: Uncertain significance for Cardiovascular phenotype. Last evaluated: 2025-09-07. Review status: criteria provided, single submitter. Criteria: Ambry Variant Classification Scheme 2023. Collection method: clinical testing. Allele origin: germline.
Comment: The p.E2168A variant (also known as c.6503A>C), located in coding exon 17 of the TNXB gene, results from an A to C substitution at nucleotide position 6503. The glutamic acid at codon 2168 is replaced by alanine, an amino acid with dissimilar properties. This amino acid position is conserved. In addition, this alteration is predicted to be tolerated by in silico analysis. Since supporting evidence is limited at this time, the clinical significance of this alteration remains unclear.